The following is an entry in ClinVar:

NM_014714.4(IFT140):c.3542C>T (p.Ser1181Leu)

Gene: IFT140 (intraflagellar transport 140; minus strand). Cytogenetic location: 16p13.3.
Variant type: single nucleotide variant.
Coding change: c.3542C>T on transcript NM_014714.4 (MANE Select); coding-DNA position 3542, C replaced by T.
Protein change: p.Ser1181Leu; replaces serine 1181 with leucine.
Molecular consequence: missense variant.
Genome position (GRCh38, 1-based): chr16:1,520,720, G>A on the plus strand (C>T on the coding strand, the complement: IFT140 is on the minus strand). VCF-style: chr16-1520720-G-A. GRCh37 (hg19) VCF-style: chr16-1570721-G-A.
Other names: short protein forms S1181L.
Identifiers: ClinVar variation 886469 (VCV000886469.32), dbSNP rs145814071, ClinGen allele CA7813123.

ClinVar aggregate classification (germline): Conflicting classifications of pathogenicity. Review status: criteria provided, conflicting classifications (1 of 4 stars). 9 submissions from 9 submitters: Uncertain significance (3); Likely benign (3). 3 of the submissions do not count toward it. Last evaluated 2026-01-26.

Conditions:
Saldino-Mainzer syndrome (SRTD9). Also called: Renal dysplasia, retinal pigmentary dystrophy, cerebellar ataxia and skeletal dysplasia; SHORT-RIB THORACIC DYSPLASIA 9 WITHOUT POLYDACTYLY; short-rib thoracic dysplasia 9 with or without polydactyly; CONORENAL SYNDROME. Identifiers: Orphanet 140969, MedGen C1849437, MONDO:0009964, OMIM 266920.
IFT140-related disorder. Also called: IFT140-related condition.
Inborn genetic diseases. Identifiers: MedGen C0950123, MeSH D030342.
Retinal dystrophy. Also called: Inherited retinal dystrophy. Identifiers: Orphanet 71862, MedGen C0854723, MeSH D058499, MONDO:0019118, HP:0000556.

Allele frequency attached by ClinVar (database versions not stated): ExAC 0.00035; gnomAD exomes 0.00035 and 0.00038; TOPMed 0.00040; gnomAD 0.00043; ESP Exome Variant Server 0.00085.
gnomAD v4.1: 609 of 1,611,834 alleles (0.038%); highest among the groups gnomAD compares: Non-Finnish European, 0.049%; no homozygotes.

Submissions (9):

Labcorp Genetics (formerly Invitae), Labcorp
Classification: Likely benign for Saldino-Mainzer syndrome. Last evaluated: 2026-01-26. Review status: criteria provided, single submitter. Criteria: Invitae Variant Classification Sherloc (09022015). Collection method: clinical testing. Allele origin: germline.

PreventionGenetics, part of Exact Sciences
Classification: Uncertain significance for IFT140-related condition. Last evaluated: 2025-12-31. Review status: criteria provided, single submitter. Criteria: ACMG Guidelines, 2015. Collection method: clinical testing. Allele origin: germline.
Comment: The IFT140 c.3542C>T variant is predicted to result in the amino acid substitution p.Ser1181Leu. To our knowledge, this variant has not been reported in the literature. This variant is present in 0.055% of alleles in individuals of European (Non-Finnish) descent in gnomAD, which may be too common to be an unreported cause of disease. Although we suspect that this variant may be benign, at this time, the clinical significance of this variant is uncertain due to the absence of conclusive functional and genetic evidence.

Blueprint Genetics
Classification: Likely benign. Last evaluated: 2024-10-30. Review status: criteria provided, single submitter. Criteria: ACMG Guidelines, 2015. Collection method: clinical testing. Allele origin: germline.

CeGaT Center for Human Genetics Tuebingen
Classification: Uncertain significance. Last evaluated: 2024-07-01. Review status: criteria provided, single submitter. Criteria: CeGaT Center For Human Genetics Tuebingen Variant Classification Criteria Version 2. Collection method: clinical testing. Allele origin: germline. Affected: yes. Observed: 1 variant allele.
Comment: IFT140: PM2, BP4

Ambry Genetics
Classification: Likely benign for Inborn genetic diseases. Last evaluated: 2024-01-02. Review status: criteria provided, single submitter. Criteria: Ambry Variant Classification Scheme 2023. Collection method: clinical testing. Allele origin: germline.

Illumina Laboratory Services, Illumina
Classification: Uncertain significance for Saldino-Mainzer syndrome. Last evaluated: 2018-01-13. Review status: criteria provided, single submitter. Criteria: ICSL Variant Classification Criteria 13 December 2019. Collection method: clinical testing. Allele origin: germline.

Institute of Human Genetics, Univ. Regensburg, Univ. Regensburg
Classification: Uncertain significance for Retinal dystrophy. Last evaluated: 2023-01-01. Review status: no assertion criteria provided. Criteria: ACMG Guidelines, 2015. Collection method: clinical testing. Allele origin: germline. Affected: yes. Not counted in ClinVar's aggregate classification.

Clinical Genetics DNA and cytogenetics Diagnostics Lab, Erasmus MC, Erasmus Medical Center
Classification: Uncertain significance. Review status: no assertion criteria provided. Collection method: clinical testing. Allele origin: germline. Affected: yes. Study: VKGL Data-share Consensus. Not counted in ClinVar's aggregate classification.

Clinical Genetics, Academic Medical Center
Classification: Uncertain significance. Review status: no assertion criteria provided. Collection method: clinical testing. Allele origin: germline. Affected: yes. Study: VKGL Data-share Consensus. Not counted in ClinVar's aggregate classification.